The following is an entry in ClinVar:

ClinVar aggregate classification (germline): Likely pathogenic. Review status: criteria provided, multiple submitters, no conflicts (2 of 4 stars). 2 submissions from 2 submitters: Likely pathogenic (2). Last evaluated 2026-06-14.

Conditions:
PKLR-related disorder. Also called: PKLR-related condition.

Submissions (2):

PreventionGenetics, part of Exact Sciences
Classification: Likely pathogenic for PKLR-related condition. Last evaluated: 2026-06-14. Review status: criteria provided, single submitter. Criteria: ACMG Guidelines, 2015. Collection method: clinical testing. Allele origin: germline.
Comment: The PKLR c.111dupG variant is predicted to result in a frameshift and premature protein termination (p.Tyr38Valfs*42). To our knowledge, this variant has not been reported in the literature. This variant is reported in 0.0038% of alleles in individuals of European (Non-Finnish) descent in gnomAD. Frameshift variants in PKLR are expected to be pathogenic. This variant is interpreted as likely pathogenic.

Blueprint Genetics
Classification: Likely pathogenic for PKLR-related disorders. Last evaluated: 2022-03-17. Review status: criteria provided, single submitter. Criteria: ACMG Guidelines, 2015. Collection method: clinical testing. Allele origin: germline. Affected: yes. Observed: 1 variant allele.

NM_000298.6(PKLR):c.111dup (p.Tyr38fs)

Gene: PKLR (pyruvate kinase L/R; minus strand). Cytogenetic location: 1q22.
Variant type: Duplication.
Coding change: c.111dup on transcript NM_000298.6 (MANE Select); coding-DNA position 111, one base duplicated (G; older notation c.111dupG).
Protein change: p.Tyr38fs; shifts the reading frame from tyrosine 38.
Molecular consequence: frameshift variant.
Genome position (GRCh38, 1-based): chr1:155,300,270, C duplicated on the plus strand (G on the coding strand, the reverse complement: PKLR is on the minus strand); the first of 4 consecutive C bases (chr1:155,300,270-155,300,273); duplicating any one gives the same sequence. VCF-style (leftmost placement, unchanged base first): chr1-155300269-A-AC. GRCh37 (hg19) VCF-style: chr1-155270060-A-AC.
Other names: c.18dup, p.Tyr7fs (NM_181871.4); c.111dupG (NM_000298.5); short protein forms Y7fs, Y38fs.
Identifiers: ClinVar variation 4914006 (VCV004914006.2).